The following is an entry in ClinVar:

ClinVar aggregate classification (germline): Likely benign (1 of 4 stars; one submission).

gnomAD v4.1: 27 of 1,454,414 alleles (0.0019%); highest among the groups gnomAD compares: African/African-American, 0.022%; no homozygotes.

Submission:

CeGaT Center for Human Genetics Tuebingen
Classification: Likely benign. Last evaluated: 2025-05-01. Review status: criteria provided, single submitter. Criteria: CeGaT Center For Human Genetics Tuebingen Variant Classification Criteria Version 2. Collection method: clinical testing. Allele origin: germline. Affected: yes. Observed: 1 variant allele.
Comment: PKD1: BP4, BP7

NM_001009944.3(PKD1):c.11718C>T (p.Cys3906=)

Gene: PKD1 (polycystin 1, transient receptor potential channel interacting; minus strand). Cytogenetic location: 16p13.3.
Variant type: single nucleotide variant.
Coding change: c.11718C>T on transcript NM_001009944.3 (MANE Select); coding-DNA position 11718, C replaced by T.
Protein change: p.Cys3906=; no amino-acid change (cysteine 3906 retained).
Molecular consequence: synonymous variant.
Genome position (GRCh38, 1-based): chr16:2,091,169, G>A on the plus strand (C>T on the coding strand, the complement: PKD1 is on the minus strand). VCF-style: chr16-2091169-G-A. GRCh37 (hg19) VCF-style: chr16-2141170-G-A.
Other names: c.11715C>T, p.Cys3905= (NM_000296.4).
Identifiers: ClinVar variation 3905246 (VCV003905246.10).